The following is an entry in ClinVar:

ClinVar aggregate classification (germline): Pathogenic. Review status: criteria provided, multiple submitters, no conflicts (2 of 4 stars). 2 submissions from 2 submitters: Pathogenic (2). Last evaluated 2022-05-04.

Conditions:
Generalized epilepsy with febrile seizures plus, type 2 (GEFSP2). Also called: GEFS+, TYPE 2. Identifiers: Orphanet 36387, MedGen C1858673, MONDO:0011461, OMIM 604403.

Submissions (2):

Mendelics
Classification: Pathogenic for Generalized epilepsy with febrile seizures plus, type 2. Last evaluated: 2022-05-04. Review status: criteria provided, single submitter. Criteria: Mendelics Assertion Criteria 2019. Collection method: clinical testing. Allele origin: germline.

GeneDx
Classification: Pathogenic. Last evaluated: 2013-11-08. Review status: criteria provided, single submitter. Criteria: GeneDx Variant Classification (06012015). Collection method: clinical testing. Allele origin: germline. Affected: yes.
Comment: p.Asp936Tyr (GAC>TAC): c.2806 G>T in exon 15 of the SCN1A gene (NM_001165963.1) The Asp936Tyr missense change has not been published as a mutation, nor has it been reported as a benign polymorphism to our knowledge. It was not observed in approximately 6,500 individuals of European and African American ancestry in the NHLBI Exome Sequencing Project, indicating it is not a common benign variant in these populations. This variant is a non-conservative amino acid substitution of a negatively charged Aspartic acid residue with an uncharged, Tyrosine residue. Asp936Tyr alters a highly conserved position in the intracellular loop between the S5 and S6 segments in the second transmembrane domain of the SCN1A protein and a different missense mutation at the same codon (Asp936Val) has been reported previously as a de novo mutation in an individual with Dravet syndrome (Lin et al., 2013). In addition, in silico analysis predicts this variant is probably damaging to the protein structure/function. The variant is found in CHILD-EPI panel(s).

NM_001165963.4(SCN1A):c.2806G>T (p.Asp936Tyr)

Gene: SCN1A (sodium voltage-gated channel alpha subunit 1; minus strand). Cytogenetic location: 2q24.3.
Variant type: single nucleotide variant.
Coding change: c.2806G>T on transcript NM_001165963.4 (MANE Select); coding-DNA position 2806, G replaced by T.
Protein change: p.Asp936Tyr; replaces aspartic acid 936 with tyrosine.
Molecular consequence: missense variant. On other transcripts: non-coding transcript variant (1).
Genome position (GRCh38, 1-based): chr2:166,037,916, C>A on the plus strand (G>T on the coding strand, the complement: SCN1A is on the minus strand). VCF-style: chr2-166037916-C-A. GRCh37 (hg19) VCF-style: chr2-166894426-C-A.
Other names: p.D936Y:GAC>TAC; c.2722G>T, p.Asp908Tyr (NM_001165964.3, NM_001353957.2, NM_001353958.2); c.2806G>T, p.Asp936Tyr (NM_001202435.3, NM_001353948.2); c.2773G>T, p.Asp925Tyr (NM_001353949.2, NM_001353950.2, NM_001353951.2 and 2 more transcripts); c.2770G>T, p.Asp924Tyr (NM_001353954.2, NM_001353955.2); c.2719G>T, p.Asp907Tyr (NM_001353960.2); c.364G>T, p.Asp122Tyr (NM_001353961.2); short protein forms D925Y, D936Y, D122Y, D924Y, D907Y, D908Y.
Identifiers: ClinVar variation 206790 (VCV000206790.3), dbSNP rs796052988, ClinGen allele CA317323.